The following is an entry in ClinVar:

ClinVar aggregate classification (germline): Uncertain significance (1 of 4 stars; one submission).

Conditions:
Inborn genetic diseases. Identifiers: MedGen C0950123, MeSH D030342.

Submission:

Ambry Genetics
Classification: Uncertain significance for Inborn genetic diseases. Last evaluated: 2025-08-20. Review status: criteria provided, single submitter. Criteria: Ambry Variant Classification Scheme 2023. Collection method: clinical testing. Allele origin: germline.
Comment: The p.F911C variant (also known as c.2732T>G), located in coding exon 1 of the SAMD9 gene, results from a T to G substitution at nucleotide position 2732. The phenylalanine at codon 911 is replaced by cysteine, an amino acid with highly dissimilar properties. This amino acid position is conserved. In addition, this alteration is predicted to be tolerated by in silico analysis. Based on the available evidence, the clinical significance of this variant remains unclear.

NM_017654.4(SAMD9):c.2732T>G (p.Phe911Cys)

Gene: SAMD9 (sterile alpha motif domain containing 9; minus strand). Cytogenetic location: 7q21.2.
Variant type: single nucleotide variant.
Coding change: c.2732T>G on transcript NM_017654.4 (MANE Select); coding-DNA position 2732, T replaced by G.
Protein change: p.Phe911Cys; replaces phenylalanine 911 with cysteine.
Molecular consequence: missense variant.
Genome position (GRCh38, 1-based): chr7:93,103,366, A>C on the plus strand (T>G on the coding strand, the complement: SAMD9 is on the minus strand). VCF-style: chr7-93103366-A-C. GRCh37 (hg19) VCF-style: chr7-92732679-A-C.
Other names: c.2732T>G, p.Phe911Cys (NM_001193307.2); short protein forms F911C.
Identifiers: ClinVar variation 4159161 (VCV004159161.1).